The following is an entry in ClinVar:

NM_000512.5(GALNS):c.542A>G (p.Tyr181Cys)

Gene: GALNS (galactosamine (N-acetyl)-6-sulfatase; minus strand). Cytogenetic location: 16q24.3.
Variant type: single nucleotide variant.
Coding change: c.542A>G on transcript NM_000512.5 (MANE Select); coding-DNA position 542, A replaced by G.
Protein change: p.Tyr181Cys; replaces tyrosine 181 with cysteine.
Molecular consequence: missense variant. On other transcripts: 5 prime UTR variant (1).
Genome position (GRCh38, 1-based): chr16:88,837,646, T>C on the plus strand (A>G on the coding strand, the complement: GALNS is on the minus strand). VCF-style: chr16-88837646-T-C. GRCh37 (hg19) VCF-style: chr16-88904054-T-C.
Other names: c.-14A>G (NM_001323543.2); c.560A>G, p.Tyr187Cys (NM_001323544.2); short protein forms Y181C, Y187C.
Identifiers: ClinVar variation 192298 (VCV000192298.11), dbSNP rs786205899, ClinGen allele CA274846.

ClinVar aggregate classification (germline): Conflicting classifications of pathogenicity. Review status: criteria provided, conflicting classifications (1 of 4 stars). 4 submissions from 4 submitters: Pathogenic (1); Likely pathogenic (2); Uncertain significance (1). Last evaluated 2025-12-04.

Conditions:
Morquio syndrome. Also called: Mucopolysaccharidosis, Type IV; MPS IV; Mucopolysaccharidosis type 4; Eccentrochondrodysplasia. Identifiers: Orphanet 582, MedGen C0026707, MONDO:0018938.
Mucopolysaccharidosis, MPS-IV-A (MPS4A). Also called: Morquio syndrome A, mild; MORQUIO SYNDROME A; Mucopolysaccharidosis Type IVA; MPS IVA; Mucopolysaccharidosis type IV A; mucopolysaccharidosis type 4A. Identifiers: Orphanet 309297, Orphanet 582, MedGen C0086651, MONDO:0009659, OMIM 253000.

Submissions (4):

Women's Health and Genetics/Laboratory Corporation of America, LabCorp
Classification: Likely pathogenic for Morquio syndrome. Last evaluated: 2025-12-04. Review status: criteria provided, single submitter. Criteria: LabCorp Variant Classification Summary - May 2015. Collection method: clinical testing. Allele origin: germline.
Comment: Variant summary: GALNS c.542A>G (p.Tyr181Cys) results in a non-conservative amino acid change in the encoded protein sequence. Algorithms developed to predict the effect of missense changes on protein structure and function all suggest that this variant is likely to be disruptive. The variant was absent in 251254 control chromosomes (gnomAD). c.542A>G has been observed in individuals affected with Mucopolysaccharidosis Type IVA (Morquio Syndrome A) (Cozma_2015, Seyedhassani_2015). These data indicate that the variant is likely to be associated with disease. To our knowledge, no experimental evidence demonstrating an impact on protein function has been reported. The following publications have been ascertained in the context of this evaluation (PMID: 26147980, 35005816, 26276046). ClinVar contains an entry for this variant (Variation ID: 192298). Based on the evidence outlined above, the variant was classified as likely pathogenic.

Genome-Nilou Lab
Classification: Likely pathogenic for Mucopolysaccharidosis, MPS-IV-A. Last evaluated: 2021-11-07. Review status: criteria provided, single submitter. Criteria: ACMG Guidelines, 2015. Collection method: clinical testing. Allele origin: germline. Affected: no.

Laboratory of Diagnosis and Therapy of Lysosomal Disorders, University of Padova
Classification: Uncertain significance for Mucopolysaccharidosis, MPS-IV-A. Last evaluated: 2021-02-01. Review status: criteria provided, single submitter. Criteria: ACMG Guidelines, 2015. Collection method: curation. Allele origin: germline. Affected: yes.
Comment: In vivo functional studies supportive of a damaging effect on the gene product (low to null enzymatic activity in homozygotes; PS3_supporting); absent from gnomAD v2.1.1 (PM2_moderate); multiple lines of computational evidence support a deleterious effect on the gene (PP3_supporting)

Genomic Research Center, Shahid Beheshti University of Medical Sciences
Classification: Pathogenic for Mucopolysaccharidosis, MPS-IV-A. Last evaluated: 2016-02-14. Review status: criteria provided, single submitter. Criteria: Seyedhassani et al. 2015. Collection method: clinical testing. Allele origin: inherited. Affected: yes. Observed: 1 homozygote.

Literature cited by the submitters: PubMed 26147980 (cited by Women's Health and Genetics/Laboratory Corporation of America, LabCorp and Laboratory of Diagnosis and Therapy of Lysosomal Disorders, University of Padova); PubMed 35005816 (cited by Women's Health and Genetics/Laboratory Corporation of America, LabCorp); PubMed 26276046 (cited by Women's Health and Genetics/Laboratory Corporation of America, LabCorp and Laboratory of Diagnosis and Therapy of Lysosomal Disorders, University of Padova); PubMed 34387910 (cited by Laboratory of Diagnosis and Therapy of Lysosomal Disorders, University of Padova).